The following is an entry in ClinVar:

ClinVar aggregate classification (germline): Uncertain significance (1 of 4 stars; one submission).

gnomAD v4.1: 3 of 1,528,794 alleles (0.0002%); highest among the groups gnomAD compares: African/African-American, 0.0041%; no homozygotes.

Submission:

Women's Health and Genetics/Laboratory Corporation of America, LabCorp
Classification: Uncertain significance. Last evaluated: 2026-04-09. Review status: criteria provided, single submitter. Criteria: LabCorp Variant Classification Summary - May 2015. Collection method: clinical testing. Allele origin: germline.
Comment: Variant summary: CACNA1I c.1778G>A (p.Gly593Glu) results in a non-conservative amino acid change in the encoded protein sequence. Algorithms developed to predict the effect of missense changes on protein structure and function are either unavailable or do not agree on the potential impact of this missense change. The variant allele was found at a frequency of 7.2e-06 in 138578 control chromosomes. The available data on variant occurrences in the general population are insufficient to allow any conclusion about variant significance. To our knowledge, no occurrence of c.1778G>A in individuals affected with CACNA1I-related conditions and no experimental evidence demonstrating its impact on protein function have been reported. No submitters have cited clinical-significance assessments for this variant to ClinVar. Based on the evidence outlined above, the variant was classified as uncertain significance.

NM_021096.4(CACNA1I):c.1778G>A (p.Gly593Glu)

Gene: CACNA1I (calcium voltage-gated channel subunit alpha1 I; plus strand). Cytogenetic location: 22q13.1.
Variant type: single nucleotide variant.
Coding change: c.1778G>A on transcript NM_021096.4 (MANE Select); coding-DNA position 1778, G replaced by A.
Protein change: p.Gly593Glu; replaces glycine 593 with glutamic acid.
Molecular consequence: missense variant.
Genome position (GRCh38, 1-based): chr22:39,649,711, G>A. VCF-style: chr22-39649711-G-A. GRCh37 (hg19) VCF-style: chr22-40045716-G-A.
Other names: c.1673G>A, p.Gly558Glu (NM_001003406.2); short protein forms G558E, G593E.
Identifiers: ClinVar variation 4848706 (VCV004848706.1).